The following is an entry in ClinVar:

ClinVar aggregate classification (germline): Pathogenic (1 of 4 stars; one submission).

Submission:

Labcorp Genetics (formerly Invitae), Labcorp
Classification: Pathogenic. Last evaluated: 2025-10-16. Review status: criteria provided, single submitter. Criteria: Invitae Variant Classification Sherloc (09022015). Collection method: clinical testing. Allele origin: germline.
Comment: This sequence change creates a premature translational stop signal (p.Gln2352Hisfs*4) in the ACAN gene. It is expected to result in an absent or disrupted protein product. Loss-of-function variants in ACAN are known to be pathogenic (PMID: 16080123, 24762113). This variant is not present in population databases (gnomAD no frequency). This variant has not been reported in the literature in individuals affected with ACAN-related conditions. For these reasons, this variant has been classified as Pathogenic.

Literature cited by the submitters: PubMed 16080123; PubMed 24762113.

NM_001369268.1(ACAN):c.7170del (p.Gln2390fs)

Gene: ACAN (aggrecan; plus strand). Cytogenetic location: 15q26.1.
Variant type: Deletion.
Coding change: c.7170del on transcript NM_001369268.1 (MANE Select); coding-DNA position 7170, one base deleted (G; older notation c.7170delG).
Protein change: p.Gln2390fs; shifts the reading frame from glutamine 2390.
Molecular consequence: frameshift variant.
Genome position (GRCh38, 1-based): chr15:88,871,491, G deleted. VCF-style (leftmost placement, unchanged base first): chr15-88871490-AG-A. GRCh37 (hg19) VCF-style: chr15-89414721-AG-A.
Other names: c.6942del, p.Gln2314fs (NM_001135.4, NM_001411096.1); c.7056del, p.Gln2352fs (NM_001411097.1, NM_013227.4); short protein forms Q2314fs, Q2352fs, Q2390fs.
Identifiers: ClinVar variation 4719655 (VCV004719655.1).
Genomic context (GRCh38, chr15:88,871,490, plus strand): 5'-ACCGCCACTTCCCGGACCGCGAGACCTGGGTGGATGCTGAGCGCCGGTGTCGGGAGCAGC[AG>A]TCACACCTGAGCAGCATCGTCACCCCCGAGGAGCAGGAGTTTGTCAACAGTGAGTGCGGC-3'